The following is an entry in ClinVar:

ClinVar aggregate classification (germline): Likely benign. Review status: criteria provided, single submitter (1 of 4 stars). 2 submissions from 2 submitters: Likely benign (1). 1 of the submissions does not count toward it. Last evaluated 2025-12-20.

Conditions:
DSCAML1-related disorder. Also called: DSCAML1-related condition.

Allele frequency attached by ClinVar (database versions not stated): gnomAD exomes 0.00001; ExAC 0.00003; ESP Exome Variant Server 0.00008; gnomAD 0.00012; TOPMed 0.00020.
gnomAD v4.1: 33 of 1,614,054 alleles (0.002%); highest among the groups gnomAD compares: African/African-American, 0.032%; no homozygotes.

Submissions (2):

Labcorp Genetics (formerly Invitae), Labcorp
Classification: Likely benign. Last evaluated: 2025-12-20. Review status: criteria provided, single submitter. Criteria: Invitae Variant Classification Sherloc (09022015). Collection method: clinical testing. Allele origin: germline.

PreventionGenetics, part of Exact Sciences
Classification: Likely benign for DSCAML1-related condition. Last evaluated: 2019-05-27. Review status: no assertion criteria provided. Collection method: clinical testing. Allele origin: germline. Not counted in ClinVar's aggregate classification.
Comment: This variant is classified as likely benign based on ACMG/AMP sequence variant interpretation guidelines (Richards et al. 2015 PMID: 25741868, with internal and published modifications).

NM_020693.4(DSCAML1):c.582C>A (p.Ser194=)

Gene: DSCAML1 (DS cell adhesion molecule like 1; minus strand). Cytogenetic location: 11q23.3.
Variant type: single nucleotide variant.
Coding change: c.582C>A on transcript NM_020693.4 (MANE Select); coding-DNA position 582, C replaced by A.
Protein change: p.Ser194=; no amino-acid change (serine 194 retained).
Molecular consequence: synonymous variant.
Genome position (GRCh38, 1-based): chr11:117,532,452, G>T on the plus strand (C>A on the coding strand, the complement: DSCAML1 is on the minus strand). VCF-style: chr11-117532452-G-T. GRCh37 (hg19) VCF-style: chr11-117403167-G-T.
Other names: c.582C>A, p.Ser194= (NM_001367904.1); c.174C>A, p.Ser58= (NM_001367905.1); c.762C>A (NM_020693.3).
Identifiers: ClinVar variation 2068656 (VCV002068656.6), dbSNP rs371532422, ClinGen allele CA6297511.